The following is an entry in ClinVar:

NM_000093.5(COL5A1):c.2430+290A>G

Gene: COL5A1 (collagen type V alpha 1 chain; plus strand). Cytogenetic location: 9q34.3.
Variant type: single nucleotide variant.
Coding change: c.2430+290A>G on transcript NM_000093.5 (MANE Select); 290 bases into the intron after coding-DNA position 2430, A replaced by G.
Molecular consequence: intron variant.
Genome position (GRCh38, 1-based): chr9:134,780,436, A>G. VCF-style: chr9-134780436-A-G. GRCh37 (hg19) VCF-style: chr9-137672282-A-G.
Other names: c.2430+290A>G (NM_001278074.1).
Identifiers: ClinVar variation 669630 (VCV000669630.1), dbSNP rs34226173, ClinGen allele CA201103570.

ClinVar aggregate classification (germline): Benign (1 of 4 stars; one submission).

Allele frequency attached by ClinVar (database versions not stated): 1000 Genomes Project 30x 0.04841; 1000 Genomes Project 0.04932; TOPMed 0.06227; gnomAD 0.06668 and 0.06728.
gnomAD v4.1: 10,131 of 152,266 alleles (6.7%); highest among the groups gnomAD compares: Non-Finnish European, 8.1%; 376 homozygotes.

Submission:

GeneDx
Classification: Benign. Last evaluated: 2018-06-14. Review status: criteria provided, single submitter. Criteria: GeneDx Variant Classification (06012015). Collection method: clinical testing. Allele origin: germline. Affected: yes.
Comment: This variant is considered likely benign or benign based on one or more of the following criteria: it is a conservative change, it occurs at a poorly conserved position in the protein, it is predicted to be benign by multiple in silico algorithms, and/or has population frequency not consistent with disease.